The following is an entry in ClinVar:

ClinVar aggregate classification (germline): Pathogenic (1 of 4 stars; one submission).

Conditions:
Arrhythmogenic right ventricular dysplasia 8 (ARVD8). Also called: Arrhythmogenic Right Ventricular Dysplasia/Cardiomyopathy 8; ARRHYTHMOGENIC RIGHT VENTRICULAR DYSPLASIA, FAMILIAL, 8; ARRHYTHMOGENIC RIGHT VENTRICULAR CARDIOMYOPATHY 8. Identifiers: MedGen C1843896, MONDO:0011831, OMIM 607450.
Arrhythmogenic cardiomyopathy with wooly hair and keratoderma. Also called: Carvajal syndrome; PALMOPLANTAR KERATODERMA WITH LEFT VENTRICULAR CARDIOMYOPATHY AND WOOLLY HAIR; Arrhythmogenic cardiomyopathy with woolly hair and keratoderma; Dilated cardiomyopathy with woolly hair and keratoderma. Identifiers: Orphanet 65282, MedGen C1854063, MONDO:0011581, OMIM 605676.

Submission:

Labcorp Genetics (formerly Invitae), Labcorp
Classification: Pathogenic for Arrhythmogenic cardiomyopathy with wooly hair and keratoderma; Arrhythmogenic right ventricular dysplasia 8. Last evaluated: 2025-02-05. Review status: criteria provided, single submitter. Criteria: Invitae Variant Classification Sherloc (09022015). Collection method: clinical testing. Allele origin: germline.
Comment: This sequence change affects a donor splice site in intron 7 of the DSP gene. RNA analysis indicates that disruption of this splice site induces altered splicing and may result in an absent or altered protein product. This variant is not present in population databases (gnomAD no frequency). Disruption of this splice site has been observed in individuals with clinical features of DSP-related conditions (PMID: 10594734, 20864495; internal data). ClinVar contains an entry for this variant (Variation ID: 1076116). Studies have shown that disruption of this splice site results in intron 7 inclusion, and produces a non-functional protein and/or introduces a premature termination codon (PMID: 10594734). For these reasons, this variant has been classified as Pathogenic.

Literature cited by the submitters: PubMed 10594734; PubMed 20864495.

NM_004415.4(DSP):c.939+1G>T

Gene: DSP (desmoplakin; plus strand). Cytogenetic location: 6p24.3.
Variant type: single nucleotide variant.
Coding change: c.939+1G>T on transcript NM_004415.4 (MANE Select); the canonical splice donor site of the intron after coding-DNA position 939, G replaced by T.
Molecular consequence: splice donor variant.
Genome position (GRCh38, 1-based): chr6:7,565,521, G>T. VCF-style: chr6-7565521-G-T. GRCh37 (hg19) VCF-style: chr6-7565754-G-T.
Other names: c.939+1G>T (NM_001319034.2, NM_001008844.3, NM_001406591.1).
Identifiers: ClinVar variation 1076116 (VCV001076116.7), dbSNP rs727504443, ClinGen allele CA362674737.